The following is an entry in ClinVar:

NM_000465.4(BARD1):c.619A>G (p.Lys207Glu)

Gene: BARD1 (BRCA1 associated RING domain 1; minus strand). Cytogenetic location: 2q35.
Variant type: single nucleotide variant.
Coding change: c.619A>G on transcript NM_000465.4 (MANE Select); coding-DNA position 619, A replaced by G.
Protein change: p.Lys207Glu; replaces lysine 207 with glutamic acid.
Molecular consequence: missense variant. On other transcripts: non-coding transcript variant (2), intron variant (3).
Genome position (GRCh38, 1-based): chr2:214,781,255, T>C on the plus strand (A>G on the coding strand, the complement: BARD1 is on the minus strand). VCF-style: chr2-214781255-T-C. GRCh37 (hg19) VCF-style: chr2-215645979-T-C.
Other names: c.562A>G, p.Lys188Glu (NM_001282543.2); c.158+28157A>G (NM_001282548.2); c.215+15806A>G (NM_001282545.2); c.364+11042A>G (NM_001282549.2); short protein forms K207E, K188E.
Identifiers: ClinVar variation 4694299 (VCV004694299.1).

ClinVar aggregate classification (germline): Uncertain significance (1 of 4 stars; one submission).

Conditions:
Familial cancer of breast. Also called: BREAST CANCER, FAMILIAL; hereditary breast carcinoma; Hereditary breast cancer. Identifiers: Orphanet 227535, MedGen C0346153, MONDO:0016419, OMIM 114480. Disease mechanism: loss of function.

gnomAD v4.1: 2 of 1,595,274 alleles (0.00013%); highest among the groups gnomAD compares: South Asian, 0.0023%; no homozygotes.

Submission:

Labcorp Genetics (formerly Invitae), Labcorp
Classification: Uncertain significance for Familial cancer of breast. Last evaluated: 2025-08-06. Review status: criteria provided, single submitter. Criteria: Invitae Variant Classification Sherloc (09022015). Collection method: clinical testing. Allele origin: germline.
Comment: This sequence change replaces lysine, which is basic and polar, with glutamic acid, which is acidic and polar, at codon 207 of the BARD1 protein (p.Lys207Glu). This variant is present in population databases (no rsID available, gnomAD 0.004%). This variant has not been reported in the literature in individuals affected with BARD1-related conditions. An algorithm developed to predict the effect of missense changes on protein structure and function (PolyPhen-2) suggests that this variant is likely to be tolerated. In summary, the available evidence is currently insufficient to determine the role of this variant in disease. Therefore, it has been classified as a Variant of Uncertain Significance.